The following is an entry in ClinVar:

ClinVar aggregate classification (germline): Uncertain significance (1 of 4 stars; one submission).

Submission:

Labcorp Genetics (formerly Invitae), Labcorp
Classification: Uncertain significance. Last evaluated: 2020-12-18. Review status: criteria provided, single submitter. Criteria: Invitae Variant Classification Sherloc (09022015). Collection method: clinical testing. Allele origin: germline.
Comment: This sequence change falls in intron 19 of the SPTA1 gene. It does not directly change the encoded amino acid sequence of the SPTA1 protein, but it affects a nucleotide within the consensus splice site of the intron. This variant is not present in population databases (ExAC no frequency). This variant has not been reported in the literature in individuals with SPTA1-related disease. Nucleotide substitutions within the consensus splice site are a relatively common cause of aberrant splicing (PMID: 17576681, 9536098). Algorithms developed to predict the effect of sequence changes on RNA splicing suggest that this variant may disrupt the consensus splice site, but this prediction has not been confirmed by published transcriptional studies. In summary, the available evidence is currently insufficient to determine the role of this variant in disease. Therefore, it has been classified as a Variant of Uncertain Significance.

Literature cited by the submitters: PubMed 17576681; PubMed 9536098.

NM_003126.4(SPTA1):c.2805+4A>T

Gene: SPTA1 (spectrin alpha, erythrocytic 1; minus strand). Cytogenetic location: 1q23.1.
Variant type: single nucleotide variant.
Coding change: c.2805+4A>T on transcript NM_003126.4 (MANE Select); 4 bases into the intron after coding-DNA position 2805, A replaced by T.
Molecular consequence: intron variant.
Genome position (GRCh38, 1-based): chr1:158,657,473, T>A on the plus strand (A>T on the coding strand, the complement: SPTA1 is on the minus strand). VCF-style: chr1-158657473-T-A. GRCh37 (hg19) VCF-style: chr1-158627263-T-A.
Identifiers: ClinVar variation 2073871 (VCV002073871.1), dbSNP rs1652909241, ClinGen allele CA1008229054.